The following is an entry in ClinVar:

ClinVar aggregate classification (germline): Conflicting classifications of pathogenicity. Review status: criteria provided, conflicting classifications (1 of 4 stars). 3 submissions from 3 submitters: Uncertain significance (2); Likely benign (1). Last evaluated 2025-09-15.

Conditions:
Inborn genetic diseases. Identifiers: MedGen C0950123, MeSH D030342.

Allele frequency attached by ClinVar (database versions not stated): ExAC 0.00002; gnomAD exomes 0.00003; TOPMed 0.00003; 1000 Genomes Project 30x 0.00016.
gnomAD v4.1: 9 of 1,603,094 alleles (0.00056%); highest among the groups gnomAD compares: Admixed American, 0.013%; no homozygotes.

Submissions (3):

Labcorp Genetics (formerly Invitae), Labcorp
Classification: Uncertain significance. Last evaluated: 2025-09-15. Review status: criteria provided, single submitter. Criteria: Invitae Variant Classification Sherloc (09022015). Collection method: clinical testing. Allele origin: germline.
Comment: This sequence change replaces proline, which is neutral and non-polar, with serine, which is neutral and polar, at codon 844 of the COL4A2 protein (p.Pro844Ser). This variant is present in population databases (rs763705148, gnomAD 0.01%). This variant has not been reported in the literature in individuals affected with COL4A2-related conditions. ClinVar contains an entry for this variant (Variation ID: 421778). Invitae Evidence Modeling of protein sequence and biophysical properties (such as structural, functional, and spatial information, amino acid conservation, physicochemical variation, residue mobility, and thermodynamic stability) indicates that this missense variant is not expected to disrupt COL4A2 protein function with a negative predictive value of 95%. In summary, the available evidence is currently insufficient to determine the role of this variant in disease. Therefore, it has been classified as a Variant of Uncertain Significance.

Ambry Genetics
Classification: Likely benign for Inborn genetic diseases. Last evaluated: 2024-08-19. Review status: criteria provided, single submitter. Criteria: Ambry Variant Classification Scheme 2023. Collection method: clinical testing. Allele origin: germline.

GeneDx
Classification: Uncertain significance. Last evaluated: 2016-08-02. Review status: criteria provided, single submitter. Criteria: GeneDx Variant Classification (06012015). Collection method: clinical testing. Allele origin: germline. Affected: yes.
Comment: The P844S variant in the COL4A2 gene has not been reported previously as a pathogenic variant, nor as a benign variant, to our knowledge. The P844S variant was not observed in approximately 5,900 individuals of European and African American ancestry in the NHLBI Exome Sequencing Project, indicating it is not a common benign variant in these populations. The P844S variant is a non-conservative amino acid substitution, which is likely to impact secondary protein structure as these residues differ in polarity, charge, size and/or other properties. This substitution occurs at a position that is conserved in mammals. In silico analysis predicts this variant is probably damaging to the protein structure/function. We interpret P844S as a variant of uncertain significance

NM_001846.4(COL4A2):c.2530C>T (p.Pro844Ser)

Gene: COL4A2 (collagen type IV alpha 2 chain; plus strand). Cytogenetic location: 13q34.
Variant type: single nucleotide variant.
Coding change: c.2530C>T on transcript NM_001846.4 (MANE Select); coding-DNA position 2530, C replaced by T.
Protein change: p.Pro844Ser; replaces proline 844 with serine.
Molecular consequence: missense variant.
Genome position (GRCh38, 1-based): chr13:110,478,107, C>T. VCF-style: chr13-110478107-C-T. GRCh37 (hg19) VCF-style: chr13-111130454-C-T.
Other names: short protein forms P844S.
Identifiers: ClinVar variation 421778 (VCV000421778.8), dbSNP rs763705148, ClinGen allele CA7049935.